The following is an entry in ClinVar:

ClinVar aggregate classification (germline): Uncertain significance (1 of 4 stars; one submission).

Conditions:
Alzheimer disease 4 (AD4). Identifiers: Orphanet 1020, MedGen C1847200, MONDO:0011743, OMIM 606889.

gnomAD v4.1: 2 of 1,613,856 alleles (0.00012%); highest among the groups gnomAD compares: Non-Finnish European, 0.00017%; no homozygotes.

Submission:

Labcorp Genetics (formerly Invitae), Labcorp
Classification: Uncertain significance for Alzheimer disease 4. Last evaluated: 2025-10-01. Review status: criteria provided, single submitter. Criteria: Invitae Variant Classification Sherloc (09022015). Collection method: clinical testing. Allele origin: germline.
Comment: This sequence change replaces glycine, which is neutral and non-polar, with alanine, which is neutral and non-polar, at codon 313 of the PSEN2 protein (p.Gly313Ala). This variant is not present in population databases (gnomAD no frequency). This variant has not been reported in the literature in individuals affected with PSEN2-related conditions. Invitae Evidence Modeling of protein sequence and biophysical properties (such as structural, functional, and spatial information, amino acid conservation, physicochemical variation, residue mobility, and thermodynamic stability) indicates that this missense variant is not expected to disrupt PSEN2 protein function with a negative predictive value of 80%. In summary, the available evidence is currently insufficient to determine the role of this variant in disease. Therefore, it has been classified as a Variant of Uncertain Significance.

NM_000447.3(PSEN2):c.938G>C (p.Gly313Ala)

Gene: PSEN2 (presenilin 2; plus strand). Cytogenetic location: 1q42.13.
Variant type: single nucleotide variant.
Coding change: c.938G>C on transcript NM_000447.3 (MANE Select); coding-DNA position 938, G replaced by C.
Protein change: p.Gly313Ala; replaces glycine 313 with alanine.
Molecular consequence: missense variant.
Genome position (GRCh38, 1-based): chr1:226,891,329, G>C. VCF-style: chr1-226891329-G-C. GRCh37 (hg19) VCF-style: chr1-227079030-G-C.
Other names: c.938G>C, p.Gly313Ala (NM_001437537.1, NM_012486.3); short protein forms G313A.
Identifiers: ClinVar variation 4743994 (VCV004743994.1).